The following is an entry in ClinVar:

ClinVar aggregate classification (germline): Likely benign (1 of 4 stars; one submission).

Conditions:
AKR1D1-related disorder. Also called: AKR1D1-related condition.

gnomAD v4.1: 3 of 1,610,364 alleles (0.00019%); highest among the groups gnomAD compares: Non-Finnish European, 0.00025%; no homozygotes.

Submission:

PreventionGenetics, part of Exact Sciences
Classification: Likely benign for AKR1D1-related condition. Last evaluated: 2026-01-07. Review status: criteria provided, single submitter. Criteria: ACMG Guidelines, 2015. Collection method: clinical testing. Allele origin: germline.
Comment: This variant is classified as likely benign based on ACMG/AMP sequence variant interpretation guidelines (Richards et al. 2015 PMID: 25741868, with internal and published modifications).

NM_005989.4(AKR1D1):c.372C>A (p.Ala124=)

Gene: AKR1D1 (aldo-keto reductase family 1 member D1; plus strand). Cytogenetic location: 7q33.
Variant type: single nucleotide variant.
Coding change: c.372C>A on transcript NM_005989.4 (MANE Select); coding-DNA position 372, C replaced by A.
Protein change: p.Ala124=; no amino-acid change (alanine 124 retained).
Molecular consequence: synonymous variant.
Genome position (GRCh38, 1-based): chr7:138,091,878, C>A. VCF-style: chr7-138091878-C-A. GRCh37 (hg19) VCF-style: chr7-137776624-C-A.
Other names: c.372C>A, p.Ala124= (NM_001190906.2, NM_001190907.2).
Identifiers: ClinVar variation 4995734 (VCV004995734.1).
Genomic context (GRCh38, chr7:138,091,878, plus strand): 5'-GACACTCAGGGTCCTCCAGCTAGATTATGTGGATCTTTACATCATTGAAGTACCCATGGC[C>A]TTTAAGGTGAGTTCAGATGCCCAAAGGTCAGGTCTCTGCACCCTGGCAACCATGAGCCAA-3'
Protein context (NP_005980.1, residues 114-134): VDLYIIEVPM[Ala124=]FKPGDEIYPR